The following is an entry in ClinVar:

NM_001350451.2(RBFOX3):c.20C>T (p.Pro7Leu)

Gene: RBFOX3 (RNA binding fox-1 homolog 3; minus strand). Cytogenetic location: 17q25.3.
Variant type: single nucleotide variant.
Coding change: c.20C>T on transcript NM_001350451.2 (MANE Select); coding-DNA position 20, C replaced by T.
Protein change: p.Pro7Leu; replaces proline 7 with leucine.
Molecular consequence: missense variant.
Genome position (GRCh38, 1-based): chr17:79,115,696, G>A on the plus strand (C>T on the coding strand, the complement: RBFOX3 is on the minus strand). VCF-style: chr17-79115696-G-A. GRCh37 (hg19) VCF-style: chr17-77111778-G-A.
Other names: c.20C>T, p.Pro7Leu (NM_001082575.3, NM_001350453.2, NM_001385804.1 and 43 more transcripts); short protein forms P7L.
Identifiers: ClinVar variation 962766 (VCV000962766.9), dbSNP rs2033733857, ClinGen allele CA401318264.

ClinVar aggregate classification (germline): Uncertain significance (1 of 4 stars; one submission).

Conditions:
Idiopathic generalized epilepsy. Also called: Generalised epilepsy; EIG. Identifiers: MedGen C0270850, MONDO:0005579, OMIM 600669.

Submission:

Labcorp Genetics (formerly Invitae), Labcorp
Classification: Uncertain significance for Idiopathic generalized epilepsy. Last evaluated: 2022-09-07. Review status: criteria provided, single submitter. Criteria: Invitae Variant Classification Sherloc (09022015). Collection method: clinical testing. Allele origin: germline.
Comment: In summary, the available evidence is currently insufficient to determine the role of this variant in disease. Therefore, it has been classified as a Variant of Uncertain Significance. Algorithms developed to predict the effect of missense changes on protein structure and function are either unavailable or do not agree on the potential impact of this missense change (SIFT: "Tolerated"; PolyPhen-2: "Not Available"; Align-GVGD: "Class C0"). ClinVar contains an entry for this variant (Variation ID: 962766). This variant has not been reported in the literature in individuals affected with RBFOX3-related conditions. This variant is not present in population databases (gnomAD no frequency). This sequence change replaces proline, which is neutral and non-polar, with leucine, which is neutral and non-polar, at codon 7 of the RBFOX3 protein (p.Pro7Leu).